The following is an entry in ClinVar:

NM_001062.4(TCN1):c.1286G>A (p.Arg429His)

Gene: TCN1 (transcobalamin 1; minus strand). Cytogenetic location: 11q12.1.
Variant type: single nucleotide variant.
Coding change: c.1286G>A on transcript NM_001062.4 (MANE Select); coding-DNA position 1286, G replaced by A.
Protein change: p.Arg429His; replaces arginine 429 with histidine.
Molecular consequence: missense variant.
Genome position (GRCh38, 1-based): chr11:59,852,991, C>T on the plus strand (G>A on the coding strand, the complement: TCN1 is on the minus strand). VCF-style: chr11-59852991-C-T. GRCh37 (hg19) VCF-style: chr11-59620464-C-T.
Other names: short protein forms R429H.
Identifiers: ClinVar variation 2062426 (VCV002062426.3), dbSNP rs147187383, ClinGen allele CA6021732.

ClinVar aggregate classification (germline): Uncertain significance. Review status: criteria provided, multiple submitters, no conflicts (2 of 4 stars). 2 submissions from 2 submitters: Uncertain significance (2). Last evaluated 2024-09-04.

Conditions:
Transcobalamin I deficiency (TCN1D). Also called: COBALAMIN PSEUDODEFICIENCY DUE TO TRANSCOBALAMIN DEFICIENCY; COBALAMIN R BINDER PROTEIN DEFICIENCY; TCN1 DEFICIENCY. Identifiers: Orphanet 2967, MedGen C0342700, MONDO:0008659, OMIM 193090.

Allele frequency attached by ClinVar (database versions not stated): ExAC 0.00011; gnomAD exomes 0.00011; gnomAD 0.00029; 1000 Genomes Project 30x 0.00031; ESP Exome Variant Server 0.00031; TOPMed 0.00034; 1000 Genomes Project 0.00040.
gnomAD v4.1: 205 of 1,614,120 alleles (0.013%); highest among the groups gnomAD compares: African/African-American, 0.14%; 3 homozygotes.

Submissions (2):

Ambry Genetics
Classification: Uncertain significance. Last evaluated: 2024-09-04. Review status: criteria provided, single submitter. Criteria: Ambry Variant Classification Scheme 2023. Collection method: clinical testing. Allele origin: germline.

Labcorp Genetics (formerly Invitae), Labcorp
Classification: Uncertain significance for Transcobalamin I deficiency. Last evaluated: 2022-08-20. Review status: criteria provided, single submitter. Criteria: Invitae Variant Classification Sherloc (09022015). Collection method: clinical testing. Allele origin: germline.
Comment: This sequence change replaces arginine, which is basic and polar, with histidine, which is basic and polar, at codon 429 of the TCN1 protein (p.Arg429His). This variant is present in population databases (rs147187383, gnomAD 0.09%). This variant has not been reported in the literature in individuals affected with TCN1-related conditions. Algorithms developed to predict the effect of missense changes on protein structure and function output the following: SIFT: "Deleterious"; PolyPhen-2: "Benign"; Align-GVGD: "Class C0". The histidine amino acid residue is found in multiple mammalian species, which suggests that this missense change does not adversely affect protein function. In summary, the available evidence is currently insufficient to determine the role of this variant in disease. Therefore, it has been classified as a Variant of Uncertain Significance.